The following continues an entry in ClinVar:

NM_000297.4(PKD2):c.1390C>T (p.Arg464Ter)

Gene: PKD2. ClinVar aggregate classification (germline): Pathogenic. Pathogenic (13).

Submissions 13 to 16 of 16:

Juno Genomics, Hangzhou Juno Genomics, Inc
Classification: Pathogenic for Polycystic kidney disease 2. Review status: criteria provided, single submitter. Criteria: ACMG Guidelines, 2015. Collection method: clinical testing. Allele origin: germline.
Comment: Absent from controls (or at extremely low frequency if recessive) in Genome Aggregation Database.;Null variant in a gene where loss of function (LOF) is a known mechanism of disease.;The prevalence of the variant in affected individuals is significantly increased compared to the prevalence in controls.

Gharavi Laboratory, Columbia University
Classification: Pathogenic for Polycystic kidney disease 2. Last evaluated: 2024-11-05. Review status: no assertion criteria provided. Criteria: ACMG Guidelines, 2015. Collection method: case-control. Allele origin: germline. Affected: yes. Not counted in ClinVar's aggregate classification.

OMIM
Classification: Pathogenic for POLYCYSTIC KIDNEY DISEASE 2. Last evaluated: 1997-12-01. Review status: no assertion criteria provided. Collection method: literature only. Allele origin: germline. Not counted in ClinVar's aggregate classification.

Department of Pathology and Laboratory Medicine, Sinai Health System
Classification: Pathogenic for Polycystic Kidney disease. Review status: no assertion criteria provided. Collection method: clinical testing. Allele origin: unknown. Affected: yes. Study: The Canadian Open Genetics Repository (COGR). Not counted in ClinVar's aggregate classification.
Comment: The PKD2 p.Arg464* variant was identified in 10 of 1848 proband chromosomes (frequency: 0.005) from individuals or families with ADPKD (Audrezet 2012, Chung 2006, Hateboer 2000, Hoefele 2011, Pei 1998, Torra 1999). The variant was also identified in dbSNP (ID: rs121918042) as "With Pathogenic allele", ClinVar (classified as pathogenic by OMIM), LOVD 3.0 (1x), and ADPKD Mutation Database (as definitely pathogenic). The variant was not identified in GeneInsight-COGR or PKD1-LOVD databases. The variant was not identified in the following control databases: the 1000 Genomes Project, the NHLBI GO Exome Sequencing Project, the Exome Aggregation Consortium (August 8th 2016), or the Genome Aggregation Database (Feb 27, 2017). The p.Arg464* variant leads to a premature stop codon at position 464, which is predicted to lead to a truncated or absent protein and loss of function. Loss of function variants of the PKD2 gene are an established mechanism of disease in autosomal dominant polycystic kidney disease (ADPKD) and is the type of variant expected to cause the disorder. In summary, based on the above information, this variant meets our laboratoryâ€šÃ„Ã´s criteria to be classified as pathogenic.

Literature cited by the submitters: PubMed 17100995 (cited by Mayo Clinic Laboratories, Mayo Clinic and Athena Diagnostics); PubMed 21115670 (cited by Mayo Clinic Laboratories, Mayo Clinic and Athena Diagnostics); PubMed 22508176 (cited by Mayo Clinic Laboratories, Mayo Clinic and Athena Diagnostics); PubMed 29529603 (cited by 3 submitters); PubMed 29633482 (cited by 3 submitters); PubMed 31488014 (cited by Mayo Clinic Laboratories, Mayo Clinic and Athena Diagnostics); PubMed 31740684 (cited by Mayo Clinic Laboratories, Mayo Clinic); PubMed 32970388 (cited by Mayo Clinic Laboratories, Mayo Clinic and Athena Diagnostics); PubMed 34101167 (cited by Mayo Clinic Laboratories, Mayo Clinic and Labcorp Genetics (formerly Invitae), Labcorp); PubMed 34732400 (cited by Mayo Clinic Laboratories, Mayo Clinic); PubMed 36186434 (cited by Mayo Clinic Laboratories, Mayo Clinic); PubMed 36938073 (cited by Mayo Clinic Laboratories, Mayo Clinic); PubMed 9402976 (cited by 5 submitters); PubMed 9773786 (cited by Mayo Clinic Laboratories, Mayo Clinic and Athena Diagnostics); PubMed 17582161 (cited by Labcorp Genetics (formerly Invitae), Labcorp); PubMed 22863349 (cited by Labcorp Genetics (formerly Invitae), Labcorp); PubMed 10760080 (cited by Athena Diagnostics); PubMed 10405208 (cited by Athena Diagnostics); PubMed 10411676 (cited by Athena Diagnostics); PubMed 17699277 (cited by Athena Diagnostics).